The following is an entry in ClinVar:

ClinVar aggregate classification (germline): Uncertain significance. Review status: criteria provided, multiple submitters, no conflicts (2 of 4 stars). 4 submissions from 4 submitters: Uncertain significance (4). Last evaluated 2025-08-19.

Conditions:
RYR1-related disorder. Also called: RYR1-related disorders; RYR1-related condition. Identifiers: MedGen CN239331.
Long QT syndrome (LQTS). Identifiers: MedGen C0023976, MeSH D008133, MONDO:0002442. Disease mechanism: loss of function. Inheritance: Various modes of inheritance.

Allele frequency attached by ClinVar (database versions not stated): gnomAD exomes below 0.00001.
gnomAD v4.1: 5 of 1,613,970 alleles (0.00031%); highest among the groups gnomAD compares: Non-Finnish European, 0.00017%; no homozygotes.

Submissions (4):

Labcorp Genetics (formerly Invitae), Labcorp
Classification: Uncertain significance for RYR1-related disorder. Last evaluated: 2025-08-19. Review status: criteria provided, single submitter. Criteria: Invitae Variant Classification Sherloc (09022015). Collection method: clinical testing. Allele origin: germline.
Comment: This sequence change replaces glutamic acid, which is acidic and polar, with lysine, which is basic and polar, at codon 452 of the RYR1 protein (p.Glu452Lys). This variant is not present in population databases (gnomAD no frequency). This variant has not been reported in the literature in individuals affected with RYR1-related conditions. ClinVar contains an entry for this variant (Variation ID: 2574028). Invitae Evidence Modeling of protein sequence and biophysical properties (such as structural, functional, and spatial information, amino acid conservation, physicochemical variation, residue mobility, and thermodynamic stability) indicates that this missense variant is not expected to disrupt RYR1 protein function with a negative predictive value of 95%. In summary, the available evidence is currently insufficient to determine the role of this variant in disease. Therefore, it has been classified as a Variant of Uncertain Significance.

CeGaT Center for Human Genetics Tuebingen
Classification: Uncertain significance. Last evaluated: 2025-05-01. Review status: criteria provided, single submitter. Criteria: CeGaT Center For Human Genetics Tuebingen Variant Classification Criteria Version 2. Collection method: clinical testing. Allele origin: germline. Affected: yes. Observed: 1 variant allele.
Comment: RYR1: PM2

Blueprint Genetics
Classification: Uncertain significance. Last evaluated: 2024-01-12. Review status: criteria provided, single submitter. Criteria: ACMG Guidelines, 2015. Collection method: clinical testing. Allele origin: germline.

Dept of Medical Biology, Uskudar University
Classification: Uncertain significance for Long QT syndrome. Last evaluated: 2024-01-08. Review status: criteria provided, single submitter. Criteria: Dept of Medical Biology Variant Classification. Collection method: research. Allele origin: paternal. Affected: yes. Observed: 1 variant allele.
Comment: Criteria: PM1, PM2

NM_000540.3(RYR1):c.1354G>A (p.Glu452Lys)

Gene: RYR1 (ryanodine receptor 1; plus strand). Cytogenetic location: 19q13.2.
Variant type: single nucleotide variant.
Coding change: c.1354G>A on transcript NM_000540.3 (MANE Select); coding-DNA position 1354, G replaced by A.
Protein change: p.Glu452Lys; replaces glutamic acid 452 with lysine.
Molecular consequence: missense variant.
Genome position (GRCh38, 1-based): chr19:38,452,928, G>A. VCF-style: chr19-38452928-G-A. GRCh37 (hg19) VCF-style: chr19-38943568-G-A.
Other names: c.1354G>A, p.Glu452Lys (NM_001042723.2); short protein forms E452K.
Identifiers: ClinVar variation 2574028 (VCV002574028.15), dbSNP rs1207497085, ClinGen allele CA405686062.